The following is an entry in ClinVar:

NM_003384.3(VRK1):c.197C>T (p.Ala66Val)

Gene: VRK1 (VRK serine/threonine kinase 1; plus strand). Cytogenetic location: 14q32.2.
Variant type: single nucleotide variant.
Coding change: c.197C>T on transcript NM_003384.3 (MANE Select); coding-DNA position 197, C replaced by T.
Protein change: p.Ala66Val; replaces alanine 66 with valine.
Molecular consequence: missense variant.
Genome position (GRCh38, 1-based): chr14:96,837,798, C>T. VCF-style: chr14-96837798-C-T. GRCh37 (hg19) VCF-style: chr14-97304135-C-T.
Other names: c.197C>T, p.Ala66Val (NM_001411051.1, NM_001411053.1); short protein forms A66V.
Identifiers: ClinVar variation 1783781 (VCV001783781.7), dbSNP rs1887280587, ClinGen allele CA390931881.

ClinVar aggregate classification (germline): Uncertain significance. Review status: criteria provided, multiple submitters, no conflicts (2 of 4 stars). 2 submissions from 2 submitters: Uncertain significance (2). Last evaluated 2022-08-22.

Conditions:
Inborn genetic diseases. Identifiers: MedGen C0950123, MeSH D030342.
Pontocerebellar hypoplasia type 1A (PCH1A). Also called: PONTOCEREBELLAR HYPOPLASIA WITH ANTERIOR HORN CELL DISEASE; PONTOCEREBELLAR HYPOPLASIA WITH INFANTILE SPINAL MUSCULAR ATROPHY. Identifiers: Orphanet 2254, Orphanet 88616, MedGen C1843504, MONDO:0011866, OMIM 607596.

Allele frequency attached by ClinVar (database versions not stated): TOPMed below 0.00001.
gnomAD v4.1: 1 of 1,558,744 alleles (0.000064%); highest among the groups gnomAD compares: Non-Finnish European, 0.000087%; no homozygotes.

Submissions (2):

Labcorp Genetics (formerly Invitae), Labcorp
Classification: Uncertain significance for Pontocerebellar hypoplasia type 1A. Last evaluated: 2022-08-22. Review status: criteria provided, single submitter. Criteria: Invitae Variant Classification Sherloc (09022015). Collection method: clinical testing. Allele origin: germline.
Comment: This variant has not been reported in the literature in individuals affected with VRK1-related conditions. This variant is not present in population databases (gnomAD no frequency). This sequence change replaces alanine, which is neutral and non-polar, with valine, which is neutral and non-polar, at codon 66 of the VRK1 protein (p.Ala66Val). In summary, the available evidence is currently insufficient to determine the role of this variant in disease. Therefore, it has been classified as a Variant of Uncertain Significance. Algorithms developed to predict the effect of missense changes on protein structure and function are either unavailable or do not agree on the potential impact of this missense change (SIFT: "Tolerated"; PolyPhen-2: "Possibly Damaging"; Align-GVGD: "Class C0").

Ambry Genetics
Classification: Uncertain significance for Inborn genetic diseases. Last evaluated: 2020-10-30. Review status: criteria provided, single submitter. Criteria: Ambry Variant Classification Scheme 2023. Collection method: clinical testing. Allele origin: germline.
Comment: The p.A66V variant (also known as c.197C>T), located in coding exon 2 of the VRK1 gene, results from a C to T substitution at nucleotide position 197. The alanine at codon 66 is replaced by valine, an amino acid with similar properties. This amino acid position is highly conserved in available vertebrate species. In addition, the in silico prediction for this alteration is inconclusive. Since supporting evidence is limited at this time, the clinical significance of this alteration remains unclear.